The following is an entry in ClinVar:

NM_003151.4(STAT4):c.549_550delinsTT (p.Gln183_Ser184delinsHisCys)

Gene: STAT4 (signal transducer and activator of transcription 4; minus strand). Cytogenetic location: 2q32.2.
Variant type: Indel.
Coding change: c.549_550delinsTT on transcript NM_003151.4 (MANE Select); coding-DNA positions 549 to 550, GA replaced by TT.
Protein change: p.Gln183_Ser184delinsHisCys.
Molecular consequence: missense variant.
Genome position (GRCh38, 1-based): chr2:191,066,510-191,066,511, TC replaced by AA on the plus strand (GA replaced by TT on the coding strand, the reverse complement: STAT4 is on the minus strand). VCF-style: chr2-191066510-TC-AA. GRCh37 (hg19) VCF-style: chr2-191931236-TC-AA.
Other names: c.549_550delinsTT, p.Gln183_Ser184delinsHisCys (NM_001243835.2).
Identifiers: ClinVar variation 4720226 (VCV004720226.1).

ClinVar aggregate classification (germline): Uncertain significance (1 of 4 stars; one submission).

Submission:

Labcorp Genetics (formerly Invitae), Labcorp
Classification: Uncertain significance. Last evaluated: 2025-07-25. Review status: criteria provided, single submitter. Criteria: Invitae Variant Classification Sherloc (09022015). Collection method: clinical testing. Allele origin: germline.
Comment: This variant, c.549_550delinsTT, is a complex sequence change that results in the deletion of 2 and insertion of 2 amino acid(s) in the STAT4 protein (p.Gln183_Ser184delinsHisCys). Information on the frequency of this variant in the gnomAD database is not available, as this variant may be reported differently in the database. This variant has not been reported in the literature in individuals affected with STAT4-related conditions. Experimental studies and prediction algorithms are not available or were not evaluated, and the functional significance of this variant is currently unknown. In summary, the available evidence is currently insufficient to determine the role of this variant in disease. Therefore, it has been classified as a Variant of Uncertain Significance.